The following is an entry in ClinVar:

ClinVar aggregate classification (germline): Uncertain significance. Review status: criteria provided, multiple submitters, no conflicts (2 of 4 stars). 3 submissions from 3 submitters: Uncertain significance (2). 1 of the submissions does not count toward it. Last evaluated 2025-12-07.

Conditions:
Inborn genetic diseases. Identifiers: MedGen C0950123, MeSH D030342.
Dyskeratosis congenita, autosomal recessive 5 (DKCB5). Identifiers: MedGen C3554656, MONDO:0014076, OMIM 615190.
Pulmonary fibrosis and/or bone marrow failure, Telomere-related, 3. Also called: PULMONARY FIBROSIS AND/OR BONE MARROW FAILURE SYNDROME, TELOMERE-RELATED, 3. Identifiers: Orphanet 2032, MedGen C4225346, MONDO:0014613, OMIM 616373.
Dyskeratosis congenita. Identifiers: Orphanet 1775, MedGen C0265965, MONDO:0015780.

Submissions (3):

Ambry Genetics
Classification: Uncertain significance for Inborn genetic diseases. Last evaluated: 2025-12-07. Review status: criteria provided, single submitter. Criteria: Ambry Variant Classification Scheme 2023. Collection method: clinical testing. Allele origin: germline.
Comment: The p.D1003A variant (also known as c.3008A>C), located in coding exon 30 of the RTEL1 gene, results from an A to C substitution at nucleotide position 3008. The aspartic acid at codon 1003 is replaced by alanine, an amino acid with dissimilar properties. This amino acid position is conserved. In addition, this alteration is predicted to be tolerated by in silico analysis. Based on the available evidence, the clinical significance of this variant remains unclear.

Labcorp Genetics (formerly Invitae), Labcorp
Classification: Uncertain significance for Dyskeratosis congenita, autosomal recessive 5; Pulmonary fibrosis and/or bone marrow failure, Telomere-related, 3. Last evaluated: 2021-09-01. Review status: criteria provided, single submitter. Criteria: Invitae Variant Classification Sherloc (09022015). Collection method: clinical testing. Allele origin: germline.
Comment: This sequence change replaces aspartic acid with alanine at codon 1003 of the RTEL1 protein (p.Asp1003Ala). The aspartic acid residue is weakly conserved and there is a moderate physicochemical difference between aspartic acid and alanine. This variant is not present in population databases (ExAC no frequency). This variant has not been reported in the literature in individuals affected with RTEL1-related conditions. Algorithms developed to predict the effect of missense changes on protein structure and function (SIFT, PolyPhen-2, Align-GVGD) all suggest that this variant is likely to be tolerated. In summary, the available evidence is currently insufficient to determine the role of this variant in disease. Therefore, it has been classified as a Variant of Uncertain Significance.

Natera, Inc.
Classification: Uncertain significance for Dyskeratosis congenita. Last evaluated: 2020-09-21. Review status: no assertion criteria provided. Collection method: clinical testing. Allele origin: germline. Not counted in ClinVar's aggregate classification.

NM_001283009.2(RTEL1):c.3008A>C (p.Asp1003Ala)

Genes: RTEL1 (regulator of telomere elongation helicase 1; plus strand), RTEL1-TNFRSF6B (RTEL1-TNFRSF6B readthrough (NMD candidate); plus strand). Cytogenetic location: 20q13.33.
Variant type: single nucleotide variant.
Coding change: c.3008A>C on transcript NM_001283009.2 (MANE Select); coding-DNA position 3008, A replaced by C.
Protein change: p.Asp1003Ala; replaces aspartic acid 1003 with alanine.
Molecular consequence: missense variant. On other transcripts: non-coding transcript variant (1).
Genome position (GRCh38, 1-based): chr20:63,694,387, A>C. VCF-style: chr20-63694387-A-C. GRCh37 (hg19) VCF-style: chr20-62325740-A-C.
Other names: c.2339A>C, p.Asp780Ala (NM_001283010.1); c.3008A>C, p.Asp1003Ala (NM_016434.4); c.3080A>C, p.Asp1027Ala (NM_032957.5); short protein forms D1027A, D780A, D1003A.
Identifiers: ClinVar variation 1041661 (VCV001041661.8), dbSNP rs2090912360, ClinGen allele CA409684378.